The following is an entry in ClinVar:

NM_000798.5(DRD5):c.1109C>A (p.Ala370Asp)

Genes: DRD5 (dopamine receptor D5; plus strand), SLC2A9 (solute carrier family 2 member 9; minus strand). Cytogenetic location: 4p16.1.
Variant type: single nucleotide variant.
Coding change: c.1109C>A on transcript NM_000798.5 (MANE Select); coding-DNA position 1109, C replaced by A.
Protein change: p.Ala370Asp; replaces alanine 370 with aspartic acid.
Molecular consequence: missense variant.
Genome position (GRCh38, 1-based): chr4:9,783,138, C>A. VCF-style: chr4-9783138-C-A. GRCh37 (hg19) VCF-style: chr4-9784762-C-A.
Other names: short protein forms A370D.
Identifiers: ClinVar variation 3731457 (VCV003731457.1).

ClinVar aggregate classification (germline): Uncertain significance (1 of 4 stars; one submission).

Conditions:
Attention deficit-hyperactivity disorder, susceptibility to, 7 (ADHD7). Identifiers: MedGen C2751802, MONDO:0013076, OMIM 613003.

gnomAD v4.1: 1 of 1,614,252 alleles (0.000062%); highest among the groups gnomAD compares: Non-Finnish European, 0.000085%; no homozygotes.

Submission:

Neuberg Centre For Genomic Medicine, NCGM
Classification: Uncertain significance for Attention deficit-hyperactivity disorder, susceptibility to, 7. Review status: criteria provided, single submitter. Criteria: ACMG Guidelines, 2015. Collection method: clinical testing. Allele origin: germline. Inheritance: Autosomal dominant inheritance. Affected: yes.
Comment: The missense c.1109C>A (p.Ala370Asp) variant in the DRD5 gene has not been reported previously as a pathogenic variant nor as a benign variant, to our knowledge. This variant is absent in the gnomAD Exomes. The amino acid Alanine at position 370 is changed to a Aspartic acid changing protein sequence and it might alter its composition and physico-chemical properties. Multiple lines of computational evidence (Polyphen - Probably damaging, SIFT – Damaging and MutationTaster - Disease causing ) predict a damaging effect on protein structure and function for this variant. The amino acid Alanine in DRD5 is predicted as conserved by GERP++ and PhyloP across 100 vertebrates. For these reasons, this variant has been classified as Uncertain Significance.